The following is an entry in ClinVar:

ClinVar aggregate classification (germline): Uncertain significance (1 of 4 stars; one submission).

Conditions:
Duchenne muscular dystrophy (DMD). Also called: MUSCULAR DYSTROPHY, PSEUDOHYPERTROPHIC PROGRESSIVE, DUCHENNE TYPE; Duchenne Muscular Dystrophy (DMD). Identifiers: Orphanet 98896, MedGen C0013264, MONDO:0010679, OMIM 310200.

Allele frequency attached by ClinVar (database versions not stated): gnomAD exomes below 0.00001.
gnomAD v4.1: 1 of 1,211,047 alleles (0.000083%); highest among the groups gnomAD compares: Admixed American, 0.0022%; no homozygotes.

Submission:

Labcorp Genetics (formerly Invitae), Labcorp
Classification: Uncertain significance for Duchenne muscular dystrophy. Last evaluated: 2023-08-17. Review status: criteria provided, single submitter. Criteria: Invitae Variant Classification Sherloc (09022015). Collection method: clinical testing. Allele origin: germline.
Comment: This sequence change replaces serine, which is neutral and polar, with phenylalanine, which is neutral and non-polar, at codon 2765 of the DMD protein (p.Ser2765Phe). This variant is present in population databases (no rsID available, gnomAD 0.004%). This variant has not been reported in the literature in individuals affected with DMD-related conditions. ClinVar contains an entry for this variant (Variation ID: 1910475). Advanced modeling of protein sequence and biophysical properties (such as structural, functional, and spatial information, amino acid conservation, physicochemical variation, residue mobility, and thermodynamic stability) performed at Invitae indicates that this missense variant is not expected to disrupt DMD protein function. In summary, the available evidence is currently insufficient to determine the role of this variant in disease. Therefore, it has been classified as a Variant of Uncertain Significance.

NM_004006.3(DMD):c.8294C>T (p.Ser2765Phe)

Gene: DMD (dystrophin; minus strand). Cytogenetic location: Xp21.1.
Variant type: single nucleotide variant.
Coding change: c.8294C>T on transcript NM_004006.3 (MANE Select); coding-DNA position 8294, C replaced by T.
Protein change: p.Ser2765Phe; replaces serine 2765 with phenylalanine.
Molecular consequence: missense variant.
Genome position (GRCh38, 1-based): chrX:31,507,377, G>A on the plus strand (C>T on the coding strand, the complement: DMD is on the minus strand). VCF-style: chrX-31507377-G-A. GRCh37 (hg19) VCF-style: chrX-31525494-G-A.
Other names: c.8270C>T, p.Ser2757Phe (NM_000109.4); c.8282C>T, p.Ser2761Phe (NM_004009.3); c.7925C>T, p.Ser2642Phe (NM_004010.3); c.4271C>T, p.Ser1424Phe (NM_004011.4); c.4262C>T, p.Ser1421Phe (NM_004012.4); c.914C>T, p.Ser305Phe (NM_004013.3, NM_004020.4, NM_004021.3 and 2 more transcripts); c.107C>T, p.Ser36Phe (NM_004014.3); short protein forms S1421F, S36F, S2757F, S305F, S2765F, S1424F, S2642F, S2761F.
Identifiers: ClinVar variation 1910475 (VCV001910475.5), dbSNP rs1305646898, ClinGen allele CA412656276.